The following is an entry in ClinVar:

NM_000059.4(BRCA2):c.5746C>G (p.His1916Asp)

Gene: BRCA2 (BRCA2 DNA repair associated; plus strand). Cytogenetic location: 13q13.1.
Variant type: single nucleotide variant.
Coding change: c.5746C>G on transcript NM_000059.4 (MANE Select); coding-DNA position 5746, C replaced by G.
Protein change: p.His1916Asp; replaces histidine 1916 with aspartic acid.
Molecular consequence: missense variant.
Genome position (GRCh38, 1-based): chr13:32,340,101, C>G. VCF-style: chr13-32340101-C-G. GRCh37 (hg19) VCF-style: chr13-32914238-C-G.
Other names: short protein forms H1916D.
Identifiers: ClinVar variation 1353557 (VCV001353557.7), dbSNP rs2137520497, ClinGen allele CA387786986.
Genomic context (GRCh38, chr13:32,340,101, plus strand): 5'-GCATTGGATGATTCAGAGGATATTCTTCATAACTCTCTAGATAATGATGAATGTAGCACG[C>G]ATTCACATAAGGTTTTTGCTGACATTCAGAGTGAAGAAATTTTACAACATAACCAAAATA-3'
Protein context (NP_000050.3, residues 1906-1926): NSLDNDECST[His1916Asp]SHKVFADIQS

ClinVar aggregate classification (germline): Conflicting classifications of pathogenicity. Review status: criteria provided, conflicting classifications (1 of 4 stars). 2 submissions from 2 submitters: Uncertain significance (1); Likely benign (1). Last evaluated 2023-03-23.

Conditions:
Hereditary cancer-predisposing syndrome. Also called: Neoplastic Syndromes, Hereditary; Tumor predisposition; Hereditary neoplastic syndrome; Hereditary Cancer Syndrome. Identifiers: Orphanet 140162, MedGen C0027672, MeSH D009386, MONDO:0015356.
Hereditary breast ovarian cancer syndrome. Also called: BRCA1- and BRCA2-Associated Hereditary Breast and Ovarian Cancer; Hereditary breast and ovarian cancer; Hereditary breast and ovarian cancer syndrome; Hereditary breast and ovarian cancer syndrome (HBOC); Breast and ovarian cancer; Hereditary breast and/or ovarian cancer syndrome. Identifiers: Orphanet 145, MedGen C0677776, MeSH D061325, MONDO:0003582. Disease mechanism: loss of function.

Submissions (2):

University of Washington Department of Laboratory Medicine, University of Washington
Classification: Likely benign for Hereditary cancer-predisposing syndrome. Last evaluated: 2023-03-23. Review status: criteria provided, single submitter. Criteria: Dines et al. (Genet Med. 2020). Collection method: curation. Allele origin: germline.
Comment: Missense variant in a coldspot region where missense variants are very unlikely to be pathogenic (PMID:31911673).

BRCA2 exon 11 coldspot. Reclassification based on statistical prior probability.

Labcorp Genetics (formerly Invitae), Labcorp
Classification: Uncertain significance for Hereditary breast ovarian cancer syndrome. Last evaluated: 2023-01-31. Review status: criteria provided, single submitter. Criteria: Invitae Variant Classification Sherloc (09022015). Collection method: clinical testing. Allele origin: germline.
Comment: This variant has not been reported in the literature in individuals affected with BRCA2-related conditions. In summary, the available evidence is currently insufficient to determine the role of this variant in disease. Therefore, it has been classified as a Variant of Uncertain Significance. Advanced modeling of protein sequence and biophysical properties (such as structural, functional, and spatial information, amino acid conservation, physicochemical variation, residue mobility, and thermodynamic stability) performed at Invitae indicates that this missense variant is not expected to disrupt BRCA2 protein function. ClinVar contains an entry for this variant (Variation ID: 1353557). This variant is not present in population databases (gnomAD no frequency). This sequence change replaces histidine, which is basic and polar, with aspartic acid, which is acidic and polar, at codon 1916 of the BRCA2 protein (p.His1916Asp).